The following is an entry in ClinVar:

NM_001204.7(BMPR2):c.182C>T (p.Ser61Leu)

Gene: BMPR2 (bone morphogenetic protein receptor type 2; plus strand). Cytogenetic location: 2q33.1.
Variant type: single nucleotide variant.
Coding change: c.182C>T on transcript NM_001204.7 (MANE Select); coding-DNA position 182, C replaced by T.
Protein change: p.Ser61Leu; replaces serine 61 with leucine.
Molecular consequence: missense variant.
Genome position (GRCh38, 1-based): chr2:202,464,914, C>T. VCF-style: chr2-202464914-C-T. GRCh37 (hg19) VCF-style: chr2-203329637-C-T.
Other names: short protein forms S61L.
Identifiers: ClinVar variation 2138218 (VCV002138218.6), dbSNP rs1166280962, ClinGen allele CA350399344.
Genomic context (GRCh38, chr2:202,464,914, plus strand): 5'-AGCAAGACCTTGGGATAGGTGAGAGTAGAATCTCTCATGAAAATGGGACAATATTATGCT[C>T]GAAAGGTAGCACCTGCTATGGCCTTTGGGAGAAATCAAAAGGGGACATAAATCTTGTAAA-3'
Protein context (NP_001195.2, residues 51-71): ISHENGTILC[Ser61Leu]KGSTCYGLWE

ClinVar aggregate classification (germline): Conflicting classifications of pathogenicity. Review status: criteria provided, conflicting classifications (1 of 4 stars). 3 submissions from 3 submitters: Uncertain significance (2); Likely benign (1). Last evaluated 2025-04-22.

Conditions:
Inborn genetic diseases. Identifiers: MedGen C0950123, MeSH D030342.
Primary pulmonary hypertension. Also called: Idiopathic pulmonary hypertension. Identifiers: MedGen C0152171.
Pulmonary hypertension, primary, 1 (PPH1). Also called: Pulmonary hypertension, familial primary, 1, with or without HHT. Identifiers: Orphanet 422, MedGen C4552070, MONDO:0024533, OMIM 178600.
Pulmonary venoocclusive disease 1 (PVOD1). Also called: Pulmonary venoocclusive disease 1, autosomal dominant. Identifiers: Orphanet 31837, MedGen C3887658, MONDO:0020713, OMIM 265450.

Allele frequency attached by ClinVar (database versions not stated): TOPMed 0.00002.
gnomAD v4.1: 9 of 1,613,956 alleles (0.00056%); highest among the groups gnomAD compares: African/African-American, 0.0027%; no homozygotes.

Submissions (3):

Labcorp Genetics (formerly Invitae), Labcorp
Classification: Likely benign for Primary pulmonary hypertension. Last evaluated: 2025-04-22. Review status: criteria provided, single submitter. Criteria: Invitae Variant Classification Sherloc (09022015). Collection method: clinical testing. Allele origin: germline.

Ambry Genetics
Classification: Uncertain significance for Inborn genetic diseases. Last evaluated: 2024-12-20. Review status: criteria provided, single submitter. Criteria: Ambry Variant Classification Scheme 2023. Collection method: clinical testing. Allele origin: germline.
Comment: The p.S61L variant (also known as c.182C>T), located in coding exon 2 of the BMPR2 gene, results from a C to T substitution at nucleotide position 182. The serine at codon 61 is replaced by leucine, an amino acid with dissimilar properties. This amino acid position is conserved. In addition, the in silico prediction for this alteration is inconclusive. Based on the available evidence, the clinical significance of this variant remains unclear.

Fulgent Genetics
Classification: Uncertain significance for Pulmonary hypertension, primary, 1; Pulmonary venoocclusive disease 1. Last evaluated: 2024-05-23. Review status: criteria provided, single submitter. Criteria: ACMG Guidelines, 2015. Collection method: clinical testing. Allele origin: germline.